The following is an entry in ClinVar:

ClinVar aggregate classification (germline): Uncertain significance (1 of 4 stars; one submission).

Conditions:
Inborn genetic diseases. Identifiers: MedGen C0950123, MeSH D030342.

Submission:

Ambry Genetics
Classification: Uncertain significance for Inborn genetic diseases. Last evaluated: 2025-10-01. Review status: criteria provided, single submitter. Criteria: Ambry Variant Classification Scheme 2023. Collection method: clinical testing. Allele origin: germline.
Comment: The c.1909T>C (p.S637P) alteration is located in exon 20 (coding exon 19) of the TLK2 gene. This alteration results from a T to C substitution at nucleotide position 1909, causing the serine (S) at amino acid position 637 to be replaced by a proline (P). This variant was not reported in population-based cohorts in the Genome Aggregation Database (gnomAD). This amino acid position is highly conserved in available vertebrate species. This missense alteration is located in a region that has a low rate of benign missense variation (Lek, 2016; Firth, 2009). The in silico prediction for this alteration is inconclusive. Based on insufficient or conflicting evidence, the clinical significance of this alteration remains unclear.

NM_006852.6(TLK2):c.1909T>C (p.Ser637Pro)

Gene: TLK2 (tousled like kinase 2; plus strand). Cytogenetic location: 17q23.2.
Variant type: single nucleotide variant.
Coding change: c.1909T>C on transcript NM_006852.6 (MANE Select); coding-DNA position 1909, T replaced by C.
Protein change: p.Ser637Pro; replaces serine 637 with proline.
Molecular consequence: missense variant.
Genome position (GRCh38, 1-based): chr17:62,606,179, T>C. VCF-style: chr17-62606179-T-C. GRCh37 (hg19) VCF-style: chr17-60683540-T-C.
Other names: c.1975T>C, p.Ser659Pro (NM_001284333.3); c.1813T>C, p.Ser605Pro (NM_001284363.1, NM_001375272.1, NM_001438203.1 and 1 more transcripts); c.1462T>C, p.Ser488Pro (NM_001330418.3, NM_001375273.1); c.1951T>C, p.Ser651Pro (NM_001375269.1); c.1909T>C, p.Ser637Pro (NM_001375270.1, NM_001375271.1); c.1624T>C, p.Ser542Pro (NM_001411074.1); c.1720T>C, p.Ser574Pro (NM_001438205.1); short protein forms S542P, S488P, S605P, S574P, S637P, S651P, S659P.
Identifiers: ClinVar variation 4185058 (VCV004185058.2).